The following is an entry in ClinVar:

ClinVar aggregate classification (germline): Likely pathogenic (1 of 4 stars; one submission).

Conditions:
Autosomal recessive nonsyndromic hearing loss 3. Also called: NEUROSENSORY NONSYNDROMIC RECESSIVE DEAFNESS 3. Identifiers: Orphanet 90636, MedGen C1838263, MONDO:0010860, OMIM 600316.

Submission:

Institute of Rare Diseases, West China Hospital, Sichuan University
Classification: Likely pathogenic for Autosomal recessive nonsyndromic hearing loss 3. Last evaluated: 2025-01-09. Review status: criteria provided, single submitter. Criteria: ClinGen HL ACMG Specifications v1. Collection method: research. Allele origin: germline. Affected: yes.
Comment: PVS1;PM2_Supporting

NM_016239.4(MYO15A):c.9774del (p.Val3259fs)

Gene: MYO15A (myosin XVA; plus strand). Cytogenetic location: 17p11.2.
Variant type: Deletion.
Coding change: c.9774del on transcript NM_016239.4 (MANE Select); coding-DNA position 9774, one base deleted (T; older notation c.9774delT).
Protein change: p.Val3259fs; shifts the reading frame from valine 3259.
Molecular consequence: frameshift variant.
Genome position (GRCh38, 1-based): chr17:18,163,825, T deleted; the last of 2 consecutive T bases (chr17:18,163,824-18,163,825); deleting either gives the same sequence. VCF-style (leftmost placement, unchanged base first): chr17-18163823-GT-G. GRCh37 (hg19) VCF-style: chr17-18067137-GT-G.
Other names: short protein forms V3259fs.
Identifiers: ClinVar variation 3601429 (VCV003601429.1).
Genomic context (GRCh38, chr17:18,163,823, plus strand): 5'-GAGATATGTGCTGAGATGGCTCTGACACGCCCTGAGGCCTTCAATGAATATGTTATCTTC[GT>G]TGTCACCAACCGTGGTGAGTGCCAGGAAGACTGAGCATGCTGGGCCCATTCCCATCCCCG-3'